The following is an entry in ClinVar:

NM_032444.4(SLX4):c.2023G>A (p.Gly675Arg)

Gene: SLX4 (SLX4 structure-specific endonuclease subunit; minus strand). Cytogenetic location: 16p13.3.
Variant type: single nucleotide variant.
Coding change: c.2023G>A on transcript NM_032444.4 (MANE Select); coding-DNA position 2023, G replaced by A.
Protein change: p.Gly675Arg; replaces glycine 675 with arginine.
Molecular consequence: missense variant.
Genome position (GRCh38, 1-based): chr16:3,594,590, C>T on the plus strand (G>A on the coding strand, the complement: SLX4 is on the minus strand). VCF-style: chr16-3594590-C-T. GRCh37 (hg19) VCF-style: chr16-3644591-C-T.
Other names: c.2023G>A (LRG_503t1); short protein forms G675R.
Identifiers: ClinVar variation 526399 (VCV000526399.51), dbSNP rs767473953, ClinGen allele CA7866310.

ClinVar aggregate classification (germline): Uncertain significance. Review status: criteria provided, multiple submitters, no conflicts (2 of 4 stars). 3 submissions from 3 submitters: Uncertain significance (3). Last evaluated 2023-07-03.

Conditions:
Fanconi anemia complementation group P. Also called: SLX4-Related Fanconi Anemia. Identifiers: Orphanet 84, MedGen C3469542, MONDO:0013499, OMIM 613951.
Fanconi anemia (FA). Also called: Fanconi's anemia. Identifiers: Orphanet 84, MedGen C0015625, MeSH D005199, MONDO:0019391.

Allele frequency attached by ClinVar (database versions not stated): ExAC 0.00002; gnomAD 0.00003 and 0.00004; TOPMed 0.00003.
gnomAD v4.1: 36 of 1,613,932 alleles (0.0022%); highest among the groups gnomAD compares: Middle Eastern, 0.016%; no homozygotes.

Submissions (3):

Labcorp Genetics (formerly Invitae), Labcorp
Classification: Uncertain significance for Fanconi anemia. Last evaluated: 2023-07-03. Review status: criteria provided, single submitter. Criteria: Invitae Variant Classification Sherloc (09022015). Collection method: clinical testing. Allele origin: germline.
Comment: In summary, the available evidence is currently insufficient to determine the role of this variant in disease. Therefore, it has been classified as a Variant of Uncertain Significance. Algorithms developed to predict the effect of missense changes on protein structure and function output the following: SIFT: "Not Available"; PolyPhen-2: "Benign"; Align-GVGD: "Not Available". The arginine amino acid residue is found in multiple mammalian species, which suggests that this missense change does not adversely affect protein function. ClinVar contains an entry for this variant (Variation ID: 526399). This variant has not been reported in the literature in individuals affected with SLX4-related conditions. This variant is present in population databases (rs767473953, gnomAD 0.003%). This sequence change replaces glycine, which is neutral and non-polar, with arginine, which is basic and polar, at codon 675 of the SLX4 protein (p.Gly675Arg).

Fulgent Genetics
Classification: Uncertain significance for Fanconi anemia complementation group P. Last evaluated: 2022-04-20. Review status: criteria provided, single submitter. Criteria: ACMG Guidelines, 2015. Collection method: clinical testing. Allele origin: unknown.

CeGaT Center for Human Genetics Tuebingen
Classification: Uncertain significance. Last evaluated: 2017-09-01. Review status: criteria provided, single submitter. Criteria: CeGaT Center For Human Genetics Tuebingen Variant Classification Criteria Version 2. Collection method: clinical testing. Allele origin: germline. Affected: yes. Observed: 1 variant allele.